The following is an entry in ClinVar:

NM_000059.4(BRCA2):c.8198A>G (p.Asp2733Gly)

Gene: BRCA2 (BRCA2 DNA repair associated; plus strand). Cytogenetic location: 13q13.1.
Variant type: single nucleotide variant.
Coding change: c.8198A>G on transcript NM_000059.4 (MANE Select); coding-DNA position 8198, A replaced by G.
Protein change: p.Asp2733Gly; replaces aspartic acid 2733 with glycine.
Molecular consequence: missense variant.
Genome position (GRCh38, 1-based): chr13:32,363,400, A>G. VCF-style: chr13-32363400-A-G. GRCh37 (hg19) VCF-style: chr13-32937537-A-G.
Other names: short protein forms D2733G.
Identifiers: ClinVar variation 937974 (VCV000937974.12), dbSNP rs1566245684, ClinGen allele CA387749717.

ClinVar aggregate classification (germline): Uncertain significance. Review status: criteria provided, multiple submitters, no conflicts (2 of 4 stars). 3 submissions from 3 submitters: Uncertain significance (3). Last evaluated 2023-06-13.

Conditions:
Hereditary breast ovarian cancer syndrome. Also called: Hereditary breast and ovarian cancer; Hereditary breast and ovarian cancer syndrome (HBOC); BRCA1- and BRCA2-Associated Hereditary Breast and Ovarian Cancer; Breast and ovarian cancer; Hereditary breast and ovarian cancer syndrome; Hereditary breast and/or ovarian cancer syndrome. Identifiers: Orphanet 145, MedGen C0677776, MeSH D061325, MONDO:0003582. Disease mechanism: loss of function.
Breast-ovarian cancer, familial, susceptibility to, 2 (BROVCA2). Also called: BRCA2 Hereditary Breast and Ovarian Cancer. Identifiers: Orphanet 145, MedGen C2675520, MONDO:0012933, OMIM 612555. Disease mechanism: loss of function.

Allele frequency attached by ClinVar (database versions not stated): gnomAD exomes below 0.00001.
gnomAD v4.1: 1 of 1,614,100 alleles (0.000062%); no homozygotes.

Submissions (3):

GeneDx
Classification: Uncertain significance. Last evaluated: 2023-06-13. Review status: criteria provided, single submitter. Criteria: GeneDx Variant Classification Process June 2021. Collection method: clinical testing. Allele origin: germline. Affected: yes.
Comment: Observed in a patient with breast cancer (Bisgin et al., 2019); In silico analysis supports that this missense variant does not alter protein structure/function; Not observed at significant frequency in large population cohorts (gnomAD); Also known as 8426A>G; This variant is associated with the following publications: (PMID: 12228710, 31228304)

All of Us Research Program, National Institutes of Health
Classification: Uncertain significance for Breast-ovarian cancer, familial, susceptibility to, 2. Last evaluated: 2023-02-24. Review status: criteria provided, single submitter. Criteria: ACMG Guidelines, 2015. Collection method: clinical testing. Allele origin: germline. Inheritance: Autosomal dominant inheritance. Observed: 1 variant allele, 1 heterozygote.
Comment: This missense variant replaces aspartic acid with glycine at codon 2733 of the BRCA2 protein. Computational prediction suggests that this variant may have deleterious impact on protein structure and function (internally defined REVEL score threshold >= 0.7, PMID: 27666373). To our knowledge, functional studies have not been reported for this variant. This variant has not been reported in individuals affected with BRCA2-related disorders in the literature. This variant has been identified in 1/250384 chromosomes in the general population by the Genome Aggregation Database (gnomAD). The available evidence is insufficient to determine the role of this variant in disease conclusively. Therefore, this variant is classified as a Variant of Uncertain Significance.

This study involves interpretation of variants in research participants for the purpose of population health screening. Participant phenotype was not available at the time of variant classification. Additional details can be found in publication PMID: 35346344, PMCID: PMC8962531

Labcorp Genetics (formerly Invitae), Labcorp
Classification: Uncertain significance for Hereditary breast ovarian cancer syndrome. Last evaluated: 2022-12-09. Review status: criteria provided, single submitter. Criteria: Invitae Variant Classification Sherloc (09022015). Collection method: clinical testing. Allele origin: germline.
Comment: Algorithms developed to predict the effect of missense changes on protein structure and function (SIFT, PolyPhen-2, Align-GVGD) all suggest that this variant is likely to be disruptive. In summary, the available evidence is currently insufficient to determine the role of this variant in disease. Therefore, it has been classified as a Variant of Uncertain Significance. ClinVar contains an entry for this variant (Variation ID: 937974). This missense change has been observed in individual(s) with breast cancer (PMID: 31228304). This variant is not present in population databases (gnomAD no frequency). This sequence change replaces aspartic acid, which is acidic and polar, with glycine, which is neutral and non-polar, at codon 2733 of the BRCA2 protein (p.Asp2733Gly).

Literature cited by the submitters: PubMed 31228304 (cited by Labcorp Genetics (formerly Invitae), Labcorp).